The following is an entry in ClinVar:

ClinVar aggregate classification (germline): Uncertain significance. Review status: criteria provided, multiple submitters, no conflicts (2 of 4 stars). 2 submissions from 2 submitters: Uncertain significance (2). Last evaluated 2025-02-13.

Conditions:
Primary ciliary dyskinesia. Also called: Ciliary dyskinesia. Identifiers: Orphanet 244, MedGen C0008780, MONDO:0016575, HP:0012265.
Inborn genetic diseases. Identifiers: MedGen C0950123, MeSH D030342.

Allele frequency attached by ClinVar (database versions not stated): ExAC 0.00002; gnomAD 0.00003; TOPMed 0.00004.

Submissions (2):

Ambry Genetics
Classification: Uncertain significance for Inborn genetic diseases. Last evaluated: 2025-02-13. Review status: criteria provided, single submitter. Criteria: Ambry Variant Classification Scheme 2023. Collection method: clinical testing. Allele origin: germline.

Labcorp Genetics (formerly Invitae), Labcorp
Classification: Uncertain significance for Primary ciliary dyskinesia. Last evaluated: 2022-06-28. Review status: criteria provided, single submitter. Criteria: Invitae Variant Classification Sherloc (09022015). Collection method: clinical testing. Allele origin: germline.
Comment: This sequence change replaces arginine, which is basic and polar, with cysteine, which is neutral and slightly polar, at codon 393 of the ZMYND10 protein (p.Arg393Cys). This variant is present in population databases (rs587740488, gnomAD 0.03%). This variant has not been reported in the literature in individuals affected with ZMYND10-related conditions. Algorithms developed to predict the effect of missense changes on protein structure and function are either unavailable or do not agree on the potential impact of this missense change (SIFT: "Deleterious"; PolyPhen-2: "Benign"; Align-GVGD: "Class C25"). In summary, the available evidence is currently insufficient to determine the role of this variant in disease. Therefore, it has been classified as a Variant of Uncertain Significance.

NM_015896.4(ZMYND10):c.1177C>T (p.Arg393Cys)

Gene: ZMYND10 (zinc finger MYND-type containing 10; minus strand). Cytogenetic location: 3p21.31.
Variant type: single nucleotide variant.
Coding change: c.1177C>T on transcript NM_015896.4 (MANE Select); coding-DNA position 1177, C replaced by T.
Protein change: p.Arg393Cys; replaces arginine 393 with cysteine.
Molecular consequence: missense variant.
Genome position (GRCh38, 1-based): chr3:50,341,644, G>A on the plus strand (C>T on the coding strand, the complement: ZMYND10 is on the minus strand). VCF-style: chr3-50341644-G-A. GRCh37 (hg19) VCF-style: chr3-50379075-G-A.
Other names: c.1162C>T, p.Arg388Cys (NM_001308379.2); c.1177C>T (NM_015896.2); short protein forms R388C, R393C.
Identifiers: ClinVar variation 1408322 (VCV001408322.6), dbSNP rs587740488, ClinGen allele CA2416960.
Genomic context (GRCh38, chr3:50,341,644, plus strand): 5'-ACCACTCATTCTGGCATCGTGAGCAGCGCTTAGAAGCCTCTGCACTGCAGTAAGCACAGC[G>A]GGGCCGCTCTGGAGCCACTGCCTCTAGCACATCCAGCCTGTAGGTCTCAGCCCACCTGGG-3'
Protein context (NP_056980.2, residues 383-403): VLEAVAPERP[Arg393Cys]CAYCSAEASK